The following is an entry in ClinVar:

NM_001457.4(FLNB):c.3169A>C (p.Lys1057Gln)

Gene: FLNB (filamin B; plus strand). Cytogenetic location: 3p14.3.
Variant type: single nucleotide variant.
Coding change: c.3169A>C on transcript NM_001457.4 (MANE Select); coding-DNA position 3169, A replaced by C.
Protein change: p.Lys1057Gln; replaces lysine 1057 with glutamine.
Molecular consequence: missense variant.
Genome position (GRCh38, 1-based): chr3:58,123,135, A>C. VCF-style: chr3-58123135-A-C. GRCh37 (hg19) VCF-style: chr3-58108862-A-C.
Other names: c.3169A>C, p.Lys1057Gln (NM_001164317.2, NM_001164318.2, NM_001164319.2); short protein forms K1057Q.
Identifiers: ClinVar variation 386687 (VCV000386687.30), dbSNP rs13321615, ClinGen allele CA2468350.
Genomic context (GRCh38, chr3:58,123,135, plus strand): 5'-TATTCTTTGCTCAAATAGGTGAAGGCCCACGGTCCCGGCCTCGAAGGTGGTCTCGTGGGC[A>C]AGCCTGCCGAGTTCACCATCGATACCAAAGGAGCTGGTACTGGAGGTCTGGGCTTAACGG-3'
Protein context (NP_001448.2, residues 1047-1067): GPGLEGGLVG[Lys1057Gln]PAEFTIDTKG

ClinVar aggregate classification (germline): Conflicting classifications of pathogenicity. Review status: criteria provided, conflicting classifications (1 of 4 stars). 8 submissions from 8 submitters: Uncertain significance (1); Likely benign (6). 1 of the submissions does not count toward it. Last evaluated 2026-01-24.

Conditions:
Connective tissue disorder. Also called: Connective tissue disease. Identifiers: MedGen C0009782, MONDO:0003900.
FLNB-related disorder. Also called: FLNB-related disorders; FLNB-related condition. Identifiers: MedGen CN381095.
FLNB-Related Spectrum Disorders.
Inborn genetic diseases. Identifiers: MedGen C0950123, MeSH D030342.

Allele frequency attached by ClinVar (database versions not stated): gnomAD exomes 0.00011 and 0.00031; ExAC 0.00042; gnomAD 0.00123 and 0.00133; TOPMed 0.00150; 1000 Genomes Project 0.00160; 1000 Genomes Project 30x 0.00172; ESP Exome Variant Server 0.00177.
gnomAD v4.1: 359 of 1,614,184 alleles (0.022%); highest among the groups gnomAD compares: African/African-American, 0.44%; 2 homozygotes.

Submissions (8):

Labcorp Genetics (formerly Invitae), Labcorp
Classification: Likely benign. Last evaluated: 2026-01-24. Review status: criteria provided, single submitter. Criteria: Invitae Variant Classification Sherloc (09022015). Collection method: clinical testing. Allele origin: germline.

Ambry Genetics
Classification: Likely benign for Inborn genetic diseases. Last evaluated: 2024-04-29. Review status: criteria provided, single submitter. Criteria: Ambry Variant Classification Scheme 2023. Collection method: clinical testing. Allele origin: germline.

Blueprint Genetics
Classification: Likely benign. Last evaluated: 2024-02-08. Review status: criteria provided, single submitter. Criteria: ACMG Guidelines, 2015. Collection method: clinical testing. Allele origin: germline.

ARUP Laboratories, Molecular Genetics and Genomics, ARUP Laboratories
Classification: Likely benign. Last evaluated: 2022-04-05. Review status: criteria provided, single submitter. Criteria: ARUP Molecular Germline Variant Investigation Process 2021. Collection method: clinical testing. Allele origin: germline.

GeneDx
Classification: Likely benign. Last evaluated: 2019-11-26. Review status: criteria provided, single submitter. Criteria: GeneDx Variant Classification Process June 2021. Collection method: clinical testing. Allele origin: germline. Affected: yes.

Genome Diagnostics Laboratory, The Hospital for Sick Children
Classification: Uncertain significance for Connective tissue disorder. Last evaluated: 2019-08-01. Review status: criteria provided, single submitter. Criteria: ACMG Guidelines, 2015. Collection method: clinical testing. Allele origin: germline.

Illumina Laboratory Services, Illumina
Classification: Likely benign for FLNB-Related Spectrum Disorders. Last evaluated: 2018-01-13. Review status: criteria provided, single submitter. Criteria: ICSL Variant Classification Criteria 13 December 2019. Collection method: clinical testing. Allele origin: germline.
Comment: This variant was observed in the ICSL laboratory as part of a predisposition screen in an ostensibly healthy population. It had not been previously curated by ICSL or reported in the Human Gene Mutation Database (HGMD: prior to June 1st, 2018), and was therefore a candidate for classification through an automated scoring system. Utilizing variant allele frequency, disease prevalence and penetrance estimates, and inheritance mode, an automated score was calculated to assess if this variant is too frequent to cause the disease. Based on the score and internal cut-off values, a variant classified as likely benign is not then subjected to further curation. The score for this variant resulted in a classification of likely benign for this disease.

PreventionGenetics, part of Exact Sciences
Classification: Likely benign for FLNB-related condition. Last evaluated: 2022-08-31. Review status: no assertion criteria provided. Collection method: clinical testing. Allele origin: germline. Not counted in ClinVar's aggregate classification.
Comment: This variant is classified as likely benign based on ACMG/AMP sequence variant interpretation guidelines (Richards et al. 2015 PMID: 25741868, with internal and published modifications).